The following is an entry in ClinVar:

ClinVar aggregate classification (germline): Likely pathogenic (1 of 4 stars; one submission).

Submission:

GeneDx
Classification: Likely pathogenic. Last evaluated: 2016-05-12. Review status: criteria provided, single submitter. Criteria: GeneDx Variant Classification (06012015). Collection method: clinical testing. Allele origin: germline. Affected: yes.
Comment: This variant is denoted FANCC c.368C>G at the cDNA level and p.Ser123Ter (S123X) at the protein level. The substitution creates a nonsense variant, which changes a Serine to a premature stop codon (TCA>TGA), and is predicted to cause loss of normal protein function through either protein truncation or nonsense-mediated mRNA decay. Although this variant has not, to our knowledge, been reported in the literature, it is considered likely pathogenic.

NM_000136.3(FANCC):c.368C>G (p.Ser123Ter)

Gene: FANCC (FA complementation group C; minus strand). Cytogenetic location: 9q22.32.
Variant type: single nucleotide variant.
Coding change: c.368C>G on transcript NM_000136.3 (MANE Select); coding-DNA position 368, C replaced by G.
Protein change: p.Ser123Ter; replaces serine 123 with a stop codon.
Molecular consequence: nonsense.
Genome position (GRCh38, 1-based): chr9:95,172,125, G>C on the plus strand (C>G on the coding strand, the complement: FANCC is on the minus strand). VCF-style: chr9-95172125-G-C. GRCh37 (hg19) VCF-style: chr9-97934407-G-C.
Other names: c.368C>G, p.Ser123Ter (NM_001243743.2, NM_001243744.2); short protein forms S123*.
Identifiers: ClinVar variation 545982 (VCV000545982.2), dbSNP rs1554842855, ClinGen allele CA374338876.